The following is an entry in ClinVar:

NM_014208.3(DSPP):c.1937del (p.Asn646fs)

Genes: DMP1-AS1 (DMP1 and DSPP antisense RNA 1; minus strand), DSPP (dentin sialophosphoprotein; plus strand). Cytogenetic location: 4q22.1.
Variant type: Deletion.
Coding change: c.1937del on transcript NM_014208.3 (MANE Select); coding-DNA position 1937, one base deleted (A; older notation c.1937delA).
Protein change: p.Asn646fs; shifts the reading frame from asparagine 646.
Molecular consequence: frameshift variant.
Genome position (GRCh38, 1-based): chr4:87,614,599, A deleted; the last of 2 consecutive A bases (chr4:87,614,598-87,614,599); deleting either gives the same sequence. VCF-style (leftmost placement, unchanged base first): chr4-87614597-CA-C. GRCh37 (hg19) VCF-style: chr4-88535749-CA-C.
Other names: short protein forms N646fs.
Identifiers: ClinVar variation 4082230 (VCV004082230.1).

ClinVar aggregate classification (germline): Pathogenic (1 of 4 stars; one submission).

Conditions:
Dentin dysplasia, Type II; DTDP2.

Submission:

Reference Center For Rare Oral And Dental Diseases, CRMR O-Rares, Hôpitaux Universitaires De Strasbourg
Classification: Pathogenic for Dentin dysplasia, type II; DTDP2. Last evaluated: 2025-09-03. Review status: criteria provided, single submitter. Criteria: ACMG Guidelines, 2015. Collection method: clinical testing. Allele origin: paternal. Inheritance: Autosomal dominant inheritance. Affected: yes. Observed: 2 variant alleles.
Comment: PVS1, PM2, PP4 (5)